The following is an entry in ClinVar:

ClinVar aggregate classification (germline): Pathogenic. Review status: criteria provided, multiple submitters, no conflicts (2 of 4 stars). 2 submissions from 2 submitters: Pathogenic (2). Last evaluated 2024-01-11.

Conditions:
Leber congenital amaurosis (LCA). Also called: Leber's amaurosis. Identifiers: Orphanet 65, MedGen C0339527, MeSH D057130, MONDO:0018998.
Leber congenital amaurosis 13 (LCA13). Identifiers: MedGen C2675186, MONDO:0012990, OMIM 612712.

Submissions (2):

Women's Health and Genetics/Laboratory Corporation of America, LabCorp
Classification: Pathogenic for Leber congenital amaurosis. Last evaluated: 2024-01-11. Review status: criteria provided, single submitter. Criteria: LabCorp Variant Classification Summary - May 2015. Collection method: clinical testing. Allele origin: germline.
Comment: Variant summary: RDH12 c.189delA (p.Ala64ProfsX11) results in a premature termination codon, predicted to cause absence of the protein due to nonsense mediated decay, which is a commonly known mechanism for disease. The variant was absent in 251488 control chromosomes (gnomAD). c.189delA has been reported in the literature in an individual affected with retinitis pigmentosa (Gupta_2022). The following publication has been ascertained in the context of this evaluation (PMID: 36284670). No submitters have cited clinical-significance assessments for this variant to ClinVar. Based on the evidence outlined above, the variant was classified as pathogenic.

Labcorp Genetics (formerly Invitae), Labcorp
Classification: Pathogenic for Leber congenital amaurosis 13. Last evaluated: 2023-10-19. Review status: criteria provided, single submitter. Criteria: Invitae Variant Classification Sherloc (09022015). Collection method: clinical testing. Allele origin: germline.
Comment: This sequence change creates a premature translational stop signal (p.Ala64Profs*11) in the RDH12 gene. It is expected to result in an absent or disrupted protein product. Loss-of-function variants in RDH12 are known to be pathogenic (PMID: 17964524, 22065924, 32014858, 34001834). This variant is not present in population databases (gnomAD no frequency). This premature translational stop signal has been observed in individual(s) with retinitis pigmentosa (PMID: 36284670). For these reasons, this variant has been classified as Pathogenic.

Literature cited by the submitters: PubMed 36284670 (cited by Women's Health and Genetics/Laboratory Corporation of America, LabCorp and Labcorp Genetics (formerly Invitae), Labcorp); PubMed 17964524 (cited by Labcorp Genetics (formerly Invitae), Labcorp); PubMed 22065924 (cited by Labcorp Genetics (formerly Invitae), Labcorp); PubMed 32014858 (cited by Labcorp Genetics (formerly Invitae), Labcorp); PubMed 34001834 (cited by Labcorp Genetics (formerly Invitae), Labcorp).

NM_152443.3(RDH12):c.189del (p.Ala64fs)

Genes: RDH12 (retinol dehydrogenase 12; plus strand), GPHN (gephyrin; plus strand). Cytogenetic location: 14q24.1.
Variant type: Deletion.
Coding change: c.189del on transcript NM_152443.3 (MANE Select); coding-DNA position 189, one base deleted (A; older notation c.189delA).
Protein change: p.Ala64fs; shifts the reading frame from alanine 64.
Molecular consequence: frameshift variant.
Genome position (GRCh38, 1-based): chr14:67,725,100, A deleted. VCF-style (leftmost placement, unchanged base first): chr14-67725099-GA-G. GRCh37 (hg19) VCF-style: chr14-68191816-GA-G.
Other names: c.189delA (NM_152443.3); short protein forms A64fs.
Identifiers: ClinVar variation 2856969 (VCV002856969.4), dbSNP rs2503797582, ClinGen allele CA2695219470.